The following continues an entry in ClinVar:

NM_000128.4(F11):c.901T>C (p.Phe301Leu)

Gene: F11. ClinVar aggregate classification (germline): Pathogenic/Likely pathogenic. Pathogenic (20); Likely pathogenic (1).

Submissions 10 to 25 of 27:

Revvity Omics, Revvity
Classification: Pathogenic for Hereditary factor XI deficiency disease. Last evaluated: 2025-02-27. Review status: criteria provided, single submitter. Criteria: ACMG Guidelines, 2015. Collection method: clinical testing. Allele origin: germline.

Blueprint Genetics
Classification: Pathogenic for F11-related disorders. Last evaluated: 2024-11-18. Review status: criteria provided, single submitter. Criteria: ACMG Guidelines, 2015. Collection method: clinical testing. Allele origin: germline. Affected: yes. Observed: 5 variant alleles.

Victorian Clinical Genetics Services, Murdoch Childrens Research Institute
Classification: Pathogenic for Hereditary factor XI deficiency disease. Last evaluated: 2024-10-10. Review status: criteria provided, single submitter. Criteria: ACMG Guidelines, 2015. Collection method: clinical testing. Allele origin: germline. Inheritance: Autosomal dominant inheritance. Affected: no.
Comment: Based on the classification scheme VCGS_Germline_v1.3.4, this variant is classified as Pathogenic. Following criteria are met: 0103 - Dominant negative and loss of function are known mechanisms of disease in this gene and are associated with factor XI deficiency. Dominant missense variants have been shown to have a dominant negative disease mechanism (PMID:15026311), whilst loss of function variants are generally recessive, though symptomatic carriers have been reported (OMIM). (I) 0108 - This gene is associated with both recessive and dominant disease. Individuals with biallelic variants generally have a more severe phenotype. Heterozygous individuals may be asymptomatic despite having FXI deficiency (PMID:18446632). (I) 0115 - Variants in this gene are known to have variable expressivity. There is a high degree of variable expression, with intrafamilial variation reported (PMID: 32118380). (I) 0200 - Variant is predicted to result in a missense amino acid change from phenylalanine to leucine. (I) 0251 - This variant is heterozygous. (I) 0310 - Variant is present in gnomAD (v4) >=0.001 and <0.01 for a dominant condition (959 heterozygotes, 8 homozygotes). (I) 0501 - Missense variant consistently predicted to be damaging by multiple in silico tools or highly conserved with a major amino acid change. (SP) 0600 - Variant is located in the annotated APPLE 4 domain (NCBI). (I) 0801 - This variant has strong previous evidence of pathogenicity in unrelated individuals. This is a well reported pathogenic variant (also known as F283L) that has been shown to cause type III Factor XI deficiency. It is a founder mutation in the Ashkenazi Jewish population (ClinVar, PMID: 16835901). (I) Legend: (SP) - Supporting pathogenic, (I) - Information, (SB) - Supporting benign

Clinical Genomics Laboratory, Washington University in St. Louis
Classification: Pathogenic for Hereditary factor XI deficiency disease. Last evaluated: 2024-01-03. Review status: criteria provided, single submitter. Criteria: ACMG Guidelines, 2015. Collection method: clinical testing. Allele origin: germline.
Comment: The F11 c.901T>C (p.Phe301Leu) variant, also reported as Phe283Leu when numbered from the mature protein, has been reported in the heterozygous, compound heterozygous, and homozygous state in multiple individuals with factor XI deficiency (Asakai R et al., PMID: 2813350; Asakai R et al., PMID: 2052060; Mitchell M et al., PMID: 16835901; Pike GN et al., PMID: 26558335). Individuals who are heterozygous for this variant experience partial factor XI deficiency, while individuals who are compound heterozygous or homozygous for this variant experience severe factor XI deficiency. The highest population minor allele frequency in the population database genome aggregation database (v.2.1.1) is 2.4% in the Ashkenazi Jewish population, which is consistent with the frequency of partial factor XI deficiency in that population. Computational predictors indicate that the variant is damaging, evidence that correlates with impact to factor XI function. In support of this prediction, studies of transfected cells carrying the p.Phe301Leu variant showed significantly reduced expression of factor XI, but comparable clotting activity to wildtype (Meijers JC et al., PMID: 1547342). Based on available information and the ACMG/AMP guidelines for variant interpretation (Richards S et al., PMID: 25741868), this variant is classified as pathogenic.

CeGaT Center for Human Genetics Tuebingen
Classification: Pathogenic. Last evaluated: 2023-03-01. Review status: criteria provided, single submitter. Criteria: CeGaT Center For Human Genetics Tuebingen Variant Classification Criteria Version 2. Collection method: clinical testing. Allele origin: germline. Affected: yes. Observed: 3 variant alleles.
Comment: F11: PM3:Very Strong, PM2

Mendelics
Classification: Pathogenic for Hereditary factor XI deficiency disease. Last evaluated: 2022-05-04. Review status: criteria provided, single submitter. Criteria: Mendelics Assertion Criteria 2019. Collection method: clinical testing. Allele origin: germline.

Fulgent Genetics
Classification: Pathogenic for Hereditary factor XI deficiency disease. Last evaluated: 2022-04-05. Review status: criteria provided, single submitter. Criteria: ACMG Guidelines, 2015. Collection method: clinical testing. Allele origin: unknown.

NIHR Bioresource Rare Diseases, University of Cambridge
Classification: Pathogenic for Hereditary factor XI deficiency disease. Last evaluated: 2019-02-01. Review status: criteria provided, single submitter. Criteria: ACMG Guidelines, 2015. Collection method: research. Allele origin: unknown. Affected: yes. Observed: 3 heterozygotes. Study: ThromboGenomics.

Human Genome Sequencing Center Clinical Lab, Baylor College of Medicine
Classification: Pathogenic for Factor XI. Last evaluated: 2018-08-13. Review status: criteria provided, single submitter. Criteria: ACMG Guidelines, 2015. Collection method: clinical testing. Allele origin: germline.
Comment: This c.901T>C (p.Phe301Leu) variant in the F11 gene has been reported in multiple patients with XI deficiency (PMID 2813350, 16835901, 26558335). This variant is observed in the 2.4% of Ashkenazi Jewish population and 4 times homozygous all from Ashkenazi Jewish population in the gnomAD database, while extremely rare in the other ethnic groups. In vitro assays showed that the mutant protein is secreted at a reduced level (8% of wild type) due to a defect in dimerization of the protein [PMID 1547342]. Phenylalanine at amino acid position 301 of the F11 protein is conserved in mammals. Computer-based algorithms predict this p.Phe301Leu change to be deleterious.This variant is thus classified as pathogenic.

Eurofins Ntd Llc (ga)
Classification: Pathogenic. Last evaluated: 2018-04-18. Review status: criteria provided, single submitter. Criteria: EGL ClinVar v180209 classification definitions. Collection method: clinical testing. Allele origin: germline. Observed: 2 variant alleles, 2 heterozygotes.

Illumina Laboratory Services, Illumina
Classification: Pathogenic for Hereditary factor XI deficiency disease. Last evaluated: 2018-03-14. Review status: criteria provided, single submitter. Criteria: ICSL Variant Classification Criteria 09 May 2019. Collection method: clinical testing. Allele origin: germline.
Comment: The F11 c.901T>C (p.Phe301Leu) variant has been reported in at least four studies in seven individuals in a homozygous state, ten individuals in a compound heterozygous state, and was found in an additional 13 of 116 affected individuals of varied ethnicity in whom zygosity was not specified (Asakai et al. 1989; Asakai et al. 1991; Mitchell et al. 2006; Pike et al. 2016). All individuals had factor XI deficiency. The variant was also reported in a heterozygous state in six individuals who had factor XI activity ranging between 47% and 106%. The p.Phe301Leu variant has been found in two of 53 controls and is reported at a frequency of 0.00145 in the European (non-Finnish) population of the Exome Aggregation Consortium. Functional studies of transfected cells carrying the p.Phe301Leu variant showed significantly reduced expression of factor XI, but comparable clotting activity to wildtype (Meijers et al. 1992). Based on the collective evidence, the p.Phe301Leu variant is classified as pathogenic for factor XI deficiency. This variant was observed by ICSL as part of a predisposition screen in an ostensibly healthy population.

ISTH-SSC Genomics in Thrombosis and Hemostasis, KU Leuven, Center for Molecular and Vascular Biology
Classification: Pathogenic for Hereditary factor XI deficiency disease. Review status: criteria provided, single submitter. Criteria: ACMG Guidelines, 2015. Collection method: clinical testing. Allele origin: unknown. Affected: yes. Observed: 2 heterozygotes, 1 compound heterozygote. Clinical features observed: Macrothrombocytopenia, low factor 11, Low factor 11.
Comment: GoldVariant submitter: Kathleen Freson Center for Molecular and Vascular Biology, Leuven, Belgium

PreventionGenetics, part of Exact Sciences
Classification: Pathogenic for F11-related condition. Last evaluated: 2024-03-14. Review status: no assertion criteria provided. Collection method: clinical testing. Allele origin: germline. Not counted in ClinVar's aggregate classification.
Comment: The F11 c.901T>C variant is predicted to result in the amino acid substitution p.Phe301Leu. This variant, previously reported as p.Phe283Leu, has been reported to be causative for hemophilia C in both autosomal dominant and recessive forms of the disease (Asakai et al. 1989. PubMed ID: 2813350; Kravtsov et al. 2004. PubMed ID: 15026311; Mitchell et al. 2006. PubMed ID: 16835901). This variant is reported in 2.4% of alleles in individuals of Ashkenazi Jewish descent and includes five homozygotes in gnomAD. This variant is interpreted as pathogenic.

Natera, Inc.
Classification: Pathogenic for Plasma factor XI deficiency. Last evaluated: 2020-09-16. Review status: no assertion criteria provided. Collection method: clinical testing. Allele origin: germline. Not counted in ClinVar's aggregate classification.

Reproductive Health Research and Development, BGI Genomics
Classification: Pathogenic for Hereditary factor XI deficiency disease. Last evaluated: 2020-01-06. Review status: no assertion criteria provided. Collection method: curation. Allele origin: germline. Not counted in ClinVar's aggregate classification.
Comment: NM_000128.3:c.901T>C in the F11 gene has an allele frequency of 0.024 in Ashkenazi Jewish subpopulation in the gnomAD database. The F11 c.901T>C (p.Phe301Leu) variant, also known as F283L in literatures, has been reported in individuals with factor XI deficiency in homozygous state and compound heterozygous states with p.E135X (PMID: 26558335; 2813350; 16835901). All individuals had factor XI deficiency. Experimental studies have shown that this missense change results in reduced F11 secretion and impaired dimerization (PMID: 1547342).Taken together, we interprete this variant as Pathogenic/Likely pathogenic variant. ACMG/AMP Criteria applied: PM3_Strong; PS3; PP4.

Counsyl
Classification: Pathogenic for Hereditary factor XI deficiency disease. Last evaluated: 2015-10-23. Review status: no assertion criteria provided. Collection method: clinical testing. Allele origin: unknown. Not counted in ClinVar's aggregate classification.